The following is an entry in ClinVar:

NM_005022.4(PFN1):c.347AAG[1] (p.Glu117del)

Gene: PFN1 (profilin 1; minus strand). Cytogenetic location: 17p13.2.
Variant type: Microsatellite.
Coding change: c.347AAG[1] on transcript NM_005022.4 (MANE Select); one copy of the 3-base unit AAG starting at c.347; the reference has two copies in a row; one copy, 3 bases deleted.
Protein change: p.Glu117del; deletes glutamic acid 117.
Molecular consequence: inframe deletion. On other transcripts: 3 prime UTR variant (1).
Genome position (GRCh38, 1-based): chr17:4,945,971-4,945,973, CTT deleted on the plus strand (AAG on the coding strand, the reverse complement: PFN1 is on the minus strand); deleting any 3 consecutive bases within chr17:4,945,971-4,945,976 gives the same sequence; the position shown is the placement nearest the transcript's 3' end. VCF-style (leftmost placement, unchanged base first): chr17-4945970-CCTT-C. GRCh37 (hg19) VCF-style: chr17-4849265-CCTT-C.
Other names: c.*431AAG[1] (NM_001375991.1); c.350_352delAAG (NM_005022.3); short protein forms E117del.
Identifiers: ClinVar variation 651629 (VCV000651629.8), dbSNP rs1597686001, ClinGen allele CA915949474.

ClinVar aggregate classification (germline): Uncertain significance (1 of 4 stars; one submission).

Submission:

Labcorp Genetics (formerly Invitae), Labcorp
Classification: Uncertain significance. Last evaluated: 2018-08-01. Review status: criteria provided, single submitter. Criteria: Invitae Variant Classification Sherloc (09022015). Collection method: clinical testing. Allele origin: germline.
Comment: This variant has not been reported in the literature in individuals with PFN1-related disease. Experimental studies and prediction algorithms are not available for this variant, and the functional significance of the deleted amino acid is currently unknown. Algorithms developed to predict the effect of sequence changes on RNA splicing suggest that this variant may create or strengthen a splice site, but this prediction has not been confirmed by published transcriptional studies. This variant, c.350_352delAAG, results in the deletion of 1 amino acid of the PFN1 protein (p.Glu117del), but otherwise preserves the integrity of the reading frame. This variant is not present in population databases (ExAC no frequency). In summary, the available evidence is currently insufficient to determine the role of this variant in disease. Therefore, it has been classified as a Variant of Uncertain Significance.